The following is an entry in ClinVar:

ClinVar aggregate classification (germline): Uncertain significance. Review status: criteria provided, multiple submitters, no conflicts (2 of 4 stars). 2 submissions from 2 submitters: Uncertain significance (2). Last evaluated 2023-01-21.

Conditions:
Dyskeratosis congenita. Identifiers: Orphanet 1775, MedGen C0265965, MONDO:0015780.

Submissions (2):

Labcorp Genetics (formerly Invitae), Labcorp
Classification: Uncertain significance for Dyskeratosis congenita. Last evaluated: 2023-01-21. Review status: criteria provided, single submitter. Criteria: Invitae Variant Classification Sherloc (09022015). Collection method: clinical testing. Allele origin: germline.
Comment: In summary, the available evidence is currently insufficient to determine the role of this variant in disease. Therefore, it has been classified as a Variant of Uncertain Significance. Algorithms developed to predict the effect of missense changes on protein structure and function (SIFT, PolyPhen-2, Align-GVGD) all suggest that this variant is likely to be tolerated. ClinVar contains an entry for this variant (Variation ID: 1692638). This variant has not been reported in the literature in individuals affected with DKC1-related conditions. This variant is not present in population databases (gnomAD no frequency). This sequence change replaces glutamic acid, which is acidic and polar, with lysine, which is basic and polar, at codon 24 of the DKC1 protein (p.Glu24Lys).

Sema4
Classification: Uncertain significance for Dyskeratosis congenita. Last evaluated: 2021-12-08. Review status: criteria provided, single submitter. Criteria: Sema4 Curation Guidelines. Collection method: curation. Allele origin: germline.
Comment: The DKC1 c.70G>A (p.E24K) variant has not been reported in the literature to our knowledge. It was not observed in the large and broad cohorts of the Genome Aggregation Database (PMID: 32461654), and has not been reported in ClinVar. Functional studies have not been performed, and in silico predictions of the variant's effect on protein function are inconclusive. The evidence is insufficient to meet ACMG/AMP criteria for classifying the variant as benign or pathogenic. Thus, the clinical significance of this variant is currently uncertain.

NM_001363.5(DKC1):c.70G>A (p.Glu24Lys)

Gene: DKC1 (dyskerin pseudouridine synthase 1; plus strand). Cytogenetic location: Xq28.
Variant type: single nucleotide variant.
Coding change: c.70G>A on transcript NM_001363.5 (MANE Select); coding-DNA position 70, G replaced by A.
Protein change: p.Glu24Lys; replaces glutamic acid 24 with lysine.
Molecular consequence: missense variant. On other transcripts: non-coding transcript variant (3).
Genome position (GRCh38, 1-based): chrX:154,764,952, G>A. VCF-style: chrX-154764952-G-A. GRCh37 (hg19) VCF-style: chrX-153993227-G-A.
Other names: c.70G>A, p.Glu24Lys (NM_001142463.3, NM_001288747.2); short protein forms E24K.
Identifiers: ClinVar variation 1692638 (VCV001692638.4), dbSNP rs2148509194, ClinGen allele CA414888771.